The following is an entry in ClinVar:

ClinVar aggregate classification (germline): Uncertain significance (1 of 4 stars; one submission).

Conditions:
Hereditary cancer-predisposing syndrome. Also called: Hereditary neoplastic syndrome; Tumor predisposition; Hereditary Cancer Syndrome; Neoplastic Syndromes, Hereditary. Identifiers: Orphanet 140162, MedGen C0027672, MeSH D009386, MONDO:0015356.

Allele frequency attached by ClinVar (database versions not stated): gnomAD exomes below 0.00001.
gnomAD v4.1: 1 of 1,614,152 alleles (0.000062%); highest among the groups gnomAD compares: South Asian, 0.0011%; no homozygotes.

Submission:

Color Diagnostics, LLC DBA Color Health
Classification: Uncertain significance for Hereditary cancer-predisposing syndrome. Last evaluated: 2023-12-05. Review status: criteria provided, single submitter. Criteria: ACMG Guidelines, 2015. Collection method: clinical testing. Allele origin: germline.
Comment: This missense variant replaces tyrosine with cysteine at codon 110 of the BRIP1 protein. Computational prediction suggests that this variant may not impact protein structure and function (internally defined REVEL score threshold <= 0.5, PMID: 27666373). To our knowledge, functional studies have not been reported for this variant. This variant has not been reported in individuals affected with BRIP1-related disorders in the literature. This variant has not been identified in the general population by the Genome Aggregation Database (gnomAD). The available evidence is insufficient to determine the role of this variant in disease conclusively. Therefore, this variant is classified as a Variant of Uncertain Significance.

NM_032043.3(BRIP1):c.329A>G (p.Tyr110Cys)

Gene: BRIP1 (BRCA1 interacting DNA helicase 1; minus strand). Cytogenetic location: 17q23.2.
Variant type: single nucleotide variant.
Coding change: c.329A>G on transcript NM_032043.3 (MANE Select); coding-DNA position 329, A replaced by G.
Protein change: p.Tyr110Cys; replaces tyrosine 110 with cysteine.
Molecular consequence: missense variant.
Genome position (GRCh38, 1-based): chr17:61,857,108, T>C on the plus strand (A>G on the coding strand, the complement: BRIP1 is on the minus strand). VCF-style: chr17-61857108-T-C. GRCh37 (hg19) VCF-style: chr17-59934469-T-C.
Other names: short protein forms Y110C.
Identifiers: ClinVar variation 491466 (VCV000491466.6), dbSNP rs1555617818, ClinGen allele CA400485357.